The following is an entry in ClinVar:

NM_014391.3(ANKRD1):c.750+5G>A

Gene: ANKRD1 (ankyrin repeat domain 1; minus strand). Cytogenetic location: 10q23.31.
Variant type: single nucleotide variant.
Coding change: c.750+5G>A on transcript NM_014391.3 (MANE Select); 5 bases into the intron after coding-DNA position 750, G replaced by A.
Molecular consequence: intron variant.
Genome position (GRCh38, 1-based): chr10:90,915,777, C>T on the plus strand (G>A on the coding strand, the complement: ANKRD1 is on the minus strand). VCF-style: chr10-90915777-C-T. GRCh37 (hg19) VCF-style: chr10-92675534-C-T.
Identifiers: ClinVar variation 388979 (VCV000388979.8), dbSNP rs761485473, ClinGen allele CA5598629.

ClinVar aggregate classification (germline): Uncertain significance. Review status: criteria provided, multiple submitters, no conflicts (2 of 4 stars). 3 submissions from 3 submitters: Uncertain significance (3). Last evaluated 2026-08-16.

Conditions:
ANKRD1-related disorder. Also called: ANKRD1-related condition.
ANKRD1-related dilated cardiomyopathy. Identifiers: MedGen CN119551.

Allele frequency attached by ClinVar (database versions not stated): gnomAD exomes 0.00001 and 0.00002; ExAC 0.00002; gnomAD 0.00002; TOPMed 0.00002.
gnomAD v4.1: 22 of 1,613,788 alleles (0.0014%); highest among the groups gnomAD compares: African/African-American, 0.0027%; no homozygotes.

Submissions (3):

PreventionGenetics, part of Exact Sciences
Classification: Uncertain significance for ANKRD1-related condition. Last evaluated: 2026-08-16. Review status: criteria provided, single submitter. Criteria: ACMG Guidelines, 2015. Collection method: clinical testing. Allele origin: germline.
Comment: The ANKRD1 c.750+5G>A variant is predicted to interfere with splicing. To our knowledge, this variant has not been reported in the literature. This variant is reported in 0.020% of alleles in individuals of Ashkenazi Jewish descent in gnomAD. At this time, the clinical significance of this variant is uncertain due to the absence of conclusive functional and genetic evidence.

Labcorp Genetics (formerly Invitae), Labcorp
Classification: Uncertain significance for ANKRD1-related dilated cardiomyopathy. Last evaluated: 2025-09-15. Review status: criteria provided, single submitter. Criteria: Invitae Variant Classification Sherloc (09022015). Collection method: clinical testing. Allele origin: germline.
Comment: This sequence change falls in intron 7 of the ANKRD1 gene. It does not directly change the encoded amino acid sequence of the ANKRD1 protein. It affects a nucleotide within the consensus splice site. This variant is present in population databases (rs761485473, gnomAD 0.01%). This variant has not been reported in the literature in individuals affected with ANKRD1-related conditions. ClinVar contains an entry for this variant (Variation ID: 388979). Variants that disrupt the consensus splice site are a relatively common cause of aberrant splicing (PMID: 17576681, 9536098). Algorithms developed to predict the effect of sequence changes on RNA splicing suggest that this variant may disrupt the consensus splice site. In summary, the available evidence is currently insufficient to determine the role of this variant in disease. Therefore, it has been classified as a Variant of Uncertain Significance.

GeneDx
Classification: Uncertain significance. Last evaluated: 2016-08-30. Review status: criteria provided, single submitter. Criteria: GeneDx Variant Classification (06012015). Collection method: clinical testing. Allele origin: germline. Affected: yes.
Comment: A variant of uncertain significance has been identified in the ANKRD1 gene. The c.750+5 G>A variant has not been published as a pathogenic variant, nor has it been reported as a benign variant to our knowledge. This variant was not observed in approximately 6,500 individuals of European and African American ancestry in the NHLBI Exome Sequencing Project, indicating it is not a common benign variant in these populations. In silico splice prediction programs predict that this variant destroys the natural splice donor site for intron 7, which may cause abnormal gene splicing. This variant may lead to either an abnormal message that is subject to nonsense-mediated mRNA decay, or to an abnormal protein product if the message is used for protein translation. However, in the absence of functional mRNA studies, the physiological consequence of this variant cannot be precisely determined. This substitution occurs at nucleotide that is not conserved across species. Furthermore, loss of function variants in the ANKRD1 gene have not been reported in the Human Gene Mutation Database (Stenson et al., 2014).Therefore, based on the currently available information, it is unclear whether this variant is pathogenic or benign.

Literature cited by the submitters: PubMed 17576681 (cited by Labcorp Genetics (formerly Invitae), Labcorp); PubMed 9536098 (cited by Labcorp Genetics (formerly Invitae), Labcorp).